The following is an entry in ClinVar:

NM_001077350.3(NPRL3):c.1645A>G (p.Ser549Gly)

Gene: NPRL3 (NPR3 like, GATOR1 complex subunit; minus strand). Cytogenetic location: 16p13.3.
Variant type: single nucleotide variant.
Coding change: c.1645A>G on transcript NM_001077350.3 (MANE Select); coding-DNA position 1645, A replaced by G.
Protein change: p.Ser549Gly; replaces serine 549 with glycine.
Molecular consequence: missense variant.
Genome position (GRCh38, 1-based): chr16:86,770, T>C on the plus strand (A>G on the coding strand, the complement: NPRL3 is on the minus strand). VCF-style: chr16-86770-T-C. GRCh37 (hg19) VCF-style: chr16-136769-T-C.
Other names: c.1108A>G, p.Ser370Gly (NM_001039476.3); c.1411A>G, p.Ser471Gly (NM_001243247.2); c.1570A>G, p.Ser524Gly (NM_001243248.2, NM_001243249.2); short protein forms S370G, S471G, S524G, S549G.
Identifiers: ClinVar variation 1502763 (VCV001502763.6), dbSNP rs537555038, ClinGen allele CA394044443.
Genomic context (GRCh38, chr16:86,770, plus strand): 5'-GGAGCAGAGCCTGGAAGACGGCAATGACAGGGTCCTCGTGGGTGGTCACCACCAGCACGC[T>C]GCGGAACTTGTCAAACAGCATGAGCAGCTGGGAGCGCCGCGTGTTCTCGTTGTACATAAT-3'
Protein context (NP_001070818.1, residues 539-559): QLLMLFDKFR[Ser549Gly]VLVVTTHEDP

ClinVar aggregate classification (germline): Uncertain significance (1 of 4 stars; one submission).

Conditions:
Epilepsy, familial focal, with variable foci 3 (FFEVF3). Identifiers: MedGen C4310708, MONDO:0014925, OMIM 617118.

Allele frequency attached by ClinVar (database versions not stated): gnomAD exomes below 0.00001.

Submission:

Labcorp Genetics (formerly Invitae), Labcorp
Classification: Uncertain significance for Epilepsy, familial focal, with variable foci 3. Last evaluated: 2023-12-22. Review status: criteria provided, single submitter. Criteria: Invitae Variant Classification Sherloc (09022015). Collection method: clinical testing. Allele origin: germline.
Comment: This sequence change replaces serine, which is neutral and polar, with glycine, which is neutral and non-polar, at codon 549 of the NPRL3 protein (p.Ser549Gly). The frequency data for this variant in the population databases is considered unreliable, as metrics indicate poor data quality at this position in the gnomAD database. This variant has not been reported in the literature in individuals affected with NPRL3-related conditions. ClinVar contains an entry for this variant (Variation ID: 1502763). Advanced modeling of protein sequence and biophysical properties (such as structural, functional, and spatial information, amino acid conservation, physicochemical variation, residue mobility, and thermodynamic stability) performed at Invitae indicates that this missense variant is not expected to disrupt NPRL3 protein function with a negative predictive value of 80%. In summary, the available evidence is currently insufficient to determine the role of this variant in disease. Therefore, it has been classified as a Variant of Uncertain Significance.